The following is an entry in ClinVar:

ClinVar aggregate classification (germline): Likely benign. Review status: criteria provided, multiple submitters, no conflicts (2 of 4 stars). 4 submissions from 4 submitters: Likely benign (4). Last evaluated 2025-04-14.

Conditions:
Cardiovascular phenotype. Identifiers: MedGen CN230736.
Catecholaminergic polymorphic ventricular tachycardia (CVPT). Also called: Catecholamine-induced polymorphic ventricular tachycardia. Identifiers: Orphanet 3286, MedGen C5574922, MONDO:0017990.
Cardiomyopathy (CMYO). Also called: Cardiomyopathies. Identifiers: Orphanet 167848, MedGen C0878544, MONDO:0004994, HP:0001638. Inheritance: Various modes of inheritance.
Catecholaminergic polymorphic ventricular tachycardia 1. Also called: VENTRICULAR TACHYCARDIA, STRESS-INDUCED POLYMORPHIC 1; VENTRICULAR TACHYCARDIA, CATECHOLAMINERGIC POLYMORPHIC, 1, WITH OR WITHOUT ATRIAL DYSFUNCTION AND/OR DILATED CARDIOMYOPATHY; RYR2-Related Catecholaminergic Polymorphic Ventricular Tachycardia. Identifiers: Orphanet 3286, MedGen C1631597, MONDO:0011484, OMIM 604772.

Allele frequency attached by ClinVar (database versions not stated): TOPMed below 0.00001; gnomAD exomes 0.00001; ExAC 0.00002.
gnomAD v4.1: 7 of 1,595,024 alleles (0.00044%); highest among the groups gnomAD compares: Non-Finnish European, 0.00051%; no homozygotes.

Submissions (4):

Labcorp Genetics (formerly Invitae), Labcorp
Classification: Likely benign for Catecholaminergic polymorphic ventricular tachycardia 1. Last evaluated: 2025-04-14. Review status: criteria provided, single submitter. Criteria: Invitae Variant Classification Sherloc (09022015). Collection method: clinical testing. Allele origin: germline.

All of Us Research Program, National Institutes of Health
Classification: Likely benign for Catecholaminergic polymorphic ventricular tachycardia. Last evaluated: 2023-12-01. Review status: criteria provided, single submitter. Criteria: ACMG Guidelines, 2015. Collection method: clinical testing. Allele origin: germline. Inheritance: Autosomal dominant inheritance. Observed: 3 variant alleles, 3 heterozygotes.
Comment: This study involves interpretation of variants in research participants for the purpose of population health screening. Participant phenotype was not available at the time of variant classification. Additional details can be found in publication PMID: 35346344, PMCID: PMC8962531

Color Diagnostics, LLC DBA Color Health
Classification: Likely benign for Cardiomyopathy. Last evaluated: 2020-01-29. Review status: criteria provided, single submitter. Criteria: ACMG Guidelines, 2015. Collection method: clinical testing. Allele origin: germline.

Ambry Genetics
Classification: Likely benign for Cardiovascular phenotype. Last evaluated: 2019-05-13. Review status: criteria provided, single submitter. Criteria: Ambry Variant Classification Scheme 2023. Collection method: clinical testing. Allele origin: germline.

NM_001035.3(RYR2):c.9213C>T (p.Thr3071=)

Gene: RYR2 (ryanodine receptor 2; plus strand). Cytogenetic location: 1q43.
Variant type: single nucleotide variant.
Coding change: c.9213C>T on transcript NM_001035.3 (MANE Select); coding-DNA position 9213, C replaced by T.
Protein change: p.Thr3071=; no amino-acid change (threonine 3071 retained).
Molecular consequence: synonymous variant.
Genome position (GRCh38, 1-based): chr1:237,700,313, C>T. VCF-style: chr1-237700313-C-T. GRCh37 (hg19) VCF-style: chr1-237863613-C-T.
Other names: c.9213C>T, p.Thr3071= (LRG_402t1).
Identifiers: ClinVar variation 463653 (VCV000463653.17), dbSNP rs759125855, ClinGen allele CA087847.